The following is an entry in ClinVar:

NM_002427.4(MMP13):c.856C>T (p.Pro286Ser)

Gene: MMP13 (matrix metallopeptidase 13; minus strand). Cytogenetic location: 11q22.2.
Variant type: single nucleotide variant.
Coding change: c.856C>T on transcript NM_002427.4 (MANE Select); coding-DNA position 856, C replaced by T.
Protein change: p.Pro286Ser; replaces proline 286 with serine.
Molecular consequence: missense variant.
Genome position (GRCh38, 1-based): chr11:102,950,171, G>A on the plus strand (C>T on the coding strand, the complement: MMP13 is on the minus strand). VCF-style: chr11-102950171-G-A. GRCh37 (hg19) VCF-style: chr11-102820900-G-A.
Other names: short protein forms P286S.
Identifiers: ClinVar variation 3396988 (VCV003396988.3).

ClinVar aggregate classification (germline): Uncertain significance. Review status: criteria provided, multiple submitters, no conflicts (2 of 4 stars). 2 submissions from 2 submitters: Uncertain significance (2). Last evaluated 2025-09-08.

Submissions (2):

Dasa
Classification: Uncertain significance. Last evaluated: 2025-09-08. Review status: criteria provided, single submitter. Criteria: DASA Assertion Criteria. Collection method: clinical testing. Allele origin: germline.
Comment: NM_002427.4(MMP13):c.856C>T (p.Pro286Ser) is a missense variant that results in the substitution of proline with serine. This variant is absent from population databases. Computational prediction algorithms are consistent with a benign effect. The currently available literature and clinical evidence are not sufficient to establish a definitive association between this variant and the reported condition. Therefore, this variant is classified as a variant of uncertain significance.

Ambry Genetics
Classification: Uncertain significance. Last evaluated: 2024-07-27. Review status: criteria provided, single submitter. Criteria: Ambry Variant Classification Scheme 2023. Collection method: clinical testing. Allele origin: germline.